The following is an entry in ClinVar:

ClinVar aggregate classification (germline): Uncertain significance (1 of 4 stars; one submission).

Allele frequency attached by ClinVar (database versions not stated): gnomAD exomes 0.00001.
gnomAD v4.1: 6 of 1,597,120 alleles (0.00038%); highest among the groups gnomAD compares: South Asian, 0.0068%; no homozygotes.

Submission:

Women's Health and Genetics/Laboratory Corporation of America, LabCorp
Classification: Uncertain significance. Last evaluated: 2022-08-19. Review status: criteria provided, single submitter. Criteria: LabCorp Variant Classification Summary - May 2015. Collection method: clinical testing. Allele origin: germline.
Comment: Variant summary: CUX1 c.2940+5G>A alters a conserved nucleotide located close to a canonical splice site and therefore could affect mRNA splicing, leading to a significantly altered protein sequence. 4/4 computational tools predict no significant impact on normal splicing. However, these predictions have yet to be confirmed by functional studies. The variant was absent in 236504 control chromosomes (gnomAD). The available data on variant occurrences in the general population are insufficient to allow any conclusion about variant significance. To our knowledge, no occurrence of c.2940+5G>A in individuals affected with Global Developmental Delay With Or Without Impaired Intellectual Development and no experimental evidence demonstrating its impact on protein function have been reported. No clinical diagnostic laboratories have submitted clinical-significance assessments for this variant to ClinVar after 2014. Based on the evidence outlined above, the variant was classified as uncertain significance.

NM_181552.4(CUX1):c.2907+5G>A

Gene: CUX1 (cut like homeobox 1; plus strand). Cytogenetic location: 7q22.1.
Variant type: single nucleotide variant.
Coding change: c.2907+5G>A on transcript NM_181552.4 (MANE Select); 5 bases into the intron after coding-DNA position 2907, G replaced by A.
Molecular consequence: intron variant.
Genome position (GRCh38, 1-based): chr7:102,202,209, G>A. VCF-style: chr7-102202209-G-A. GRCh37 (hg19) VCF-style: chr7-101845489-G-A.
Other names: c.1255+6606G>A (NM_001913.5); c.1249+6606G>A (NM_181500.4); c.1117+6606G>A (NM_001202545.3); c.1207+6606G>A (NM_001202544.3); c.1138+6606G>A (NM_001202546.3); c.2940+5G>A (NM_001202543.2).
Identifiers: ClinVar variation 1705151 (VCV001705151.1), dbSNP rs2485476367, ClinGen allele CA2580076044.
Genomic context (GRCh38, chr7:102,202,209, plus strand): 5'-AGGTTAAGGAAAAGCTGGCCAAGAACGGCATCTGCCAGAGAATCTTCGGGGAGAAGGTAA[G>A]GGATCTGCTCTGGGGGCTTTGGTTCTCCCATCTCTTCTCCTTGCTGAGGACCAAGTATCT-3'